The following is an entry in ClinVar:

NM_003356.4(UCP3):c.870G>A (p.Met290Ile)

Gene: UCP3 (uncoupling protein 3; minus strand). Cytogenetic location: 11q13.4.
Variant type: single nucleotide variant.
Coding change: c.870G>A on transcript NM_003356.4 (MANE Select); coding-DNA position 870, G replaced by A.
Protein change: p.Met290Ile; replaces methionine 290 with isoleucine.
Molecular consequence: missense variant.
Genome position (GRCh38, 1-based): chr11:74,001,481, C>T on the plus strand (G>A on the coding strand, the complement: UCP3 is on the minus strand). VCF-style: chr11-74001481-C-T. GRCh37 (hg19) VCF-style: chr11-73712526-C-T.
Other names: short protein forms M290I.
Identifiers: ClinVar variation 5001602 (VCV005001602.1).

ClinVar aggregate classification (germline): Uncertain significance (1 of 4 stars; one submission).

Conditions:
UCP3-related disorder. Also called: UCP3-related condition.

gnomAD v4.1: 4 of 1,614,128 alleles (0.00025%); highest among the groups gnomAD compares: Non-Finnish European, 0.00034%; no homozygotes.

Submission:

PreventionGenetics, part of Exact Sciences
Classification: Uncertain significance for UCP3-related condition. Last evaluated: 2025-07-25. Review status: criteria provided, single submitter. Criteria: ACMG Guidelines, 2015. Collection method: clinical testing. Allele origin: germline.
Comment: The UCP3 c.870G>A variant is predicted to result in the amino acid substitution p.Met290Ile. To our knowledge, this variant has not been reported in the literature or in a large population database (gnomAD), indicating this variant is rare. At this time, the clinical significance of this variant is uncertain due to the absence of conclusive functional and genetic evidence.